The following is an entry in ClinVar:

NM_000293.3(PHKB):c.405+8_405+10del

Gene: PHKB (phosphorylase kinase regulatory subunit beta; plus strand). Cytogenetic location: 16q12.1.
Variant type: Deletion.
Coding change: c.405+8_405+10del on transcript NM_000293.3 (MANE Select); bases 8 to 10 of the intron after coding-DNA position 405, 3 bases deleted (ATT; older notation c.405+8_405+10delATT).
Molecular consequence: intron variant.
Genome position (GRCh38, 1-based): chr16:47,503,098-47,503,100, ATT deleted. VCF-style (leftmost placement, unchanged base first): chr16-47503097-CATT-C. GRCh37 (hg19) VCF-style: chr16-47537008-CATT-C.
Other names: c.405+8_405+10del (NM_001363837.1); c.384+8_384+10del (NM_001031835.3).
Identifiers: ClinVar variation 1054771 (VCV001054771.8), dbSNP rs2151644461, ClinGen allele CA2499223526.

ClinVar aggregate classification (germline): Uncertain significance (1 of 4 stars; one submission).

Conditions:
Glycogen storage disease IXb (GSD9B). Also called: GLYCOGENOSIS OF LIVER AND MUSCLE, AUTOSOMAL RECESSIVE; GSD IXb; PHOSPHORYLASE KINASE DEFICIENCY OF LIVER AND MUSCLE, AUTOSOMAL RECESSIVE. Identifiers: Orphanet 79240, MedGen C0543514, MONDO:0009868, OMIM 261750.

Submission:

Labcorp Genetics (formerly Invitae), Labcorp
Classification: Uncertain significance for Glycogen storage disease IXb. Last evaluated: 2024-04-15. Review status: criteria provided, single submitter. Criteria: Invitae Variant Classification Sherloc (09022015). Collection method: clinical testing. Allele origin: germline.
Comment: This sequence change falls in intron 4 of the PHKB gene. It does not directly change the encoded amino acid sequence of the PHKB protein. It affects a nucleotide within the consensus splice site. This variant is not present in population databases (gnomAD no frequency). This variant has not been reported in the literature in individuals affected with PHKB-related conditions. ClinVar contains an entry for this variant (Variation ID: 1054771). Variants that disrupt the consensus splice site are a relatively common cause of aberrant splicing (PMID: 17576681, 9536098). Algorithms developed to predict the effect of sequence changes on RNA splicing suggest that this variant is not likely to affect RNA splicing. In summary, the available evidence is currently insufficient to determine the role of this variant in disease. Therefore, it has been classified as a Variant of Uncertain Significance.

Literature cited by the submitters: PubMed 17576681; PubMed 9536098.